The following is an entry in ClinVar:

ClinVar aggregate classification (germline): Conflicting classifications of pathogenicity. Review status: criteria provided, conflicting classifications (1 of 4 stars). 6 submissions from 6 submitters: Uncertain significance (2); Likely benign (2). 2 of the submissions do not count toward it. Last evaluated 2026-06-12.

Conditions:
DNAH5-related disorder. Also called: DNAH5-related condition.
Primary ciliary dyskinesia. Also called: Ciliary dyskinesia. Identifiers: Orphanet 244, MedGen C0008780, MONDO:0016575, HP:0012265.

Allele frequency attached by ClinVar (database versions not stated): gnomAD exomes 0.00005 and 0.00012; 1000 Genomes Project 30x 0.00016; ExAC 0.00016; ESP Exome Variant Server 0.00023; gnomAD 0.00030 and 0.00032; TOPMed 0.00034; 1000 Genomes Project 0.00040.
gnomAD v4.1: 138 of 1,613,574 alleles (0.0086%); highest among the groups gnomAD compares: African/African-American, 0.096%; no homozygotes.

Submissions (6):

GeneDx
Classification: Uncertain significance. Last evaluated: 2026-06-12. Review status: criteria provided, single submitter. Criteria: GeneDx Variant Classification Process June 2021. Collection method: clinical testing. Allele origin: germline.
Comment: In silico analysis supports that this missense variant has a deleterious effect on protein structure/function; Has not been previously published as pathogenic or benign to our knowledge

Labcorp Genetics (formerly Invitae), Labcorp
Classification: Likely benign for Primary ciliary dyskinesia. Last evaluated: 2025-07-30. Review status: criteria provided, single submitter. Criteria: Invitae Variant Classification Sherloc (09022015). Collection method: clinical testing. Allele origin: germline.

CeGaT Center for Human Genetics Tuebingen
Classification: Uncertain significance. Last evaluated: 2023-06-01. Review status: criteria provided, single submitter. Criteria: CeGaT Center For Human Genetics Tuebingen Variant Classification Criteria Version 2. Collection method: clinical testing. Allele origin: germline. Affected: yes. Observed: 1 variant allele.

Ambry Genetics
Classification: Likely benign for Primary ciliary dyskinesia. Last evaluated: 2021-09-21. Review status: criteria provided, single submitter. Criteria: Ambry Variant Classification Scheme 2023. Collection method: clinical testing. Allele origin: germline.

PreventionGenetics, part of Exact Sciences
Classification: Uncertain significance for DNAH5-related condition. Last evaluated: 2024-03-12. Review status: no assertion criteria provided. Collection method: clinical testing. Allele origin: germline. Not counted in ClinVar's aggregate classification.
Comment: The DNAH5 c.7892C>T variant is predicted to result in the amino acid substitution p.Thr2631Met. To our knowledge, this variant has not been reported in the literature. This variant is reported in 0.088% of alleles in individuals of African descent in gnomAD. At this time, the clinical significance of this variant is uncertain due to the absence of conclusive functional and genetic evidence.

Natera, Inc.
Classification: Uncertain significance for Primary ciliary dyskinesia. Last evaluated: 2019-10-28. Review status: no assertion criteria provided. Collection method: clinical testing. Allele origin: germline. Not counted in ClinVar's aggregate classification.

NM_001369.3(DNAH5):c.7892C>T (p.Thr2631Met)

Gene: DNAH5 (dynein axonemal heavy chain 5; minus strand). Cytogenetic location: 5p15.2.
Variant type: single nucleotide variant.
Coding change: c.7892C>T on transcript NM_001369.3 (MANE Select); coding-DNA position 7892, C replaced by T.
Protein change: p.Thr2631Met; replaces threonine 2631 with methionine.
Molecular consequence: missense variant.
Genome position (GRCh38, 1-based): chr5:13,794,054, G>A on the plus strand (C>T on the coding strand, the complement: DNAH5 is on the minus strand). VCF-style: chr5-13794054-G-A. GRCh37 (hg19) VCF-style: chr5-13794163-G-A.
Other names: short protein forms T2631M.
Identifiers: ClinVar variation 525377 (VCV000525377.45), dbSNP rs375200875, ClinGen allele CA3202959.